The following is an entry in ClinVar:

ClinVar aggregate classification (germline): Uncertain significance (1 of 4 stars; one submission).

Submission:

Labcorp Genetics (formerly Invitae), Labcorp
Classification: Uncertain significance. Last evaluated: 2022-02-21. Review status: criteria provided, single submitter. Criteria: Invitae Variant Classification Sherloc (09022015). Collection method: clinical testing. Allele origin: germline.
Comment: In summary, the available evidence is currently insufficient to determine the role of this variant in disease. Therefore, it has been classified as a Variant of Uncertain Significance. Algorithms developed to predict the effect of missense changes on protein structure and function are either unavailable or do not agree on the potential impact of this missense change (SIFT: "Tolerated"; PolyPhen-2: "Probably Damaging"; Align-GVGD: "Class C0"). This variant has not been reported in the literature in individuals affected with NSD1-related conditions. This variant is not present in population databases (gnomAD no frequency). This sequence change replaces lysine, which is basic and polar, with arginine, which is basic and polar, at codon 1434 of the NSD1 protein (p.Lys1434Arg).

NM_022455.5(NSD1):c.4301A>G (p.Lys1434Arg)

Gene: NSD1 (nuclear receptor binding SET domain protein 1; plus strand). Cytogenetic location: 5q35.3.
Variant type: single nucleotide variant.
Coding change: c.4301A>G on transcript NM_022455.5 (MANE Select); coding-DNA position 4301, A replaced by G.
Protein change: p.Lys1434Arg; replaces lysine 1434 with arginine.
Molecular consequence: missense variant.
Genome position (GRCh38, 1-based): chr5:177,239,864, A>G. VCF-style: chr5-177239864-A-G. GRCh37 (hg19) VCF-style: chr5-176666865-A-G.
Other names: c.3428A>G, p.Lys1143Arg (NM_001365684.2, NM_001409306.1, NM_001409307.1 and 3 more transcripts); c.4301A>G, p.Lys1434Arg (NM_001409301.1, NM_001409302.1, NM_001409303.1); c.3881A>G, p.Lys1294Arg (NM_001409304.1); c.3548A>G, p.Lys1183Arg (NM_001409305.1); short protein forms K1143R, K1294R, K1165R, K1434R, K1183R.
Identifiers: ClinVar variation 1977795 (VCV001977795.5), dbSNP rs2480597734, ClinGen allele CA362344316.